The following is an entry in ClinVar:

ClinVar aggregate classification (germline): Uncertain significance. Review status: criteria provided, multiple submitters, no conflicts (2 of 4 stars). 5 submissions from 5 submitters: Uncertain significance (4). 1 of the submissions does not count toward it. Last evaluated 2024-05-15.

Conditions:
Neuronal ceroid lipofuscinosis 2. Also called: TPP1-Related Neuronal Ceroid-Lipofuscinosis; JANSKY-BIELSCHOWSKY DISEASE NEURONAL CEROID LIPOFUSCINOSIS, LATE INFANTILE. Identifiers: Orphanet 168491, Orphanet 228349, Orphanet 79264, MedGen C1876161, MONDO:0008769, OMIM 204500.

Allele frequency attached by ClinVar (database versions not stated): gnomAD exomes 0.00001 and 0.00003; ExAC 0.00002; TOPMed 0.00004; gnomAD 0.00005 and 0.00006.
gnomAD v4.1: 30 of 1,613,912 alleles (0.0019%); highest among the groups gnomAD compares: Admixed American, 0.0033%; no homozygotes.

Submissions (5):

Blueprint Genetics
Classification: Uncertain significance. Last evaluated: 2024-05-15. Review status: criteria provided, single submitter. Criteria: ACMG Guidelines, 2015. Collection method: clinical testing. Allele origin: germline.

Labcorp Genetics (formerly Invitae), Labcorp
Classification: Uncertain significance. Last evaluated: 2021-11-05. Review status: criteria provided, single submitter. Criteria: Invitae Variant Classification Sherloc (09022015). Collection method: clinical testing. Allele origin: germline.
Comment: This sequence change replaces arginine, which is basic and polar, with cysteine, which is neutral and slightly polar, at codon 175 of the TPP1 protein (p.Arg175Cys). This variant is present in population databases (rs750241218, gnomAD 0.007%). This missense change has been observed in individual(s) with seizures, developmental delay, and hypotonia (PMID: 29056246). ClinVar contains an entry for this variant (Variation ID: 198076). Advanced modeling of protein sequence and biophysical properties (such as structural, functional, and spatial information, amino acid conservation, physicochemical variation, residue mobility, and thermodynamic stability) performed at Invitae indicates that this missense variant is expected to disrupt TPP1 protein function. In summary, the available evidence is currently insufficient to determine the role of this variant in disease. Therefore, it has been classified as a Variant of Uncertain Significance.

GeneDx
Classification: Uncertain significance. Last evaluated: 2016-09-19. Review status: criteria provided, single submitter. Criteria: GeneDx Variant Classification (06012015). Collection method: clinical testing. Allele origin: germline. Affected: yes.
Comment: A variant of uncertain significance has been identified in the TPP1 gene. The R175C variant has not been published as a pathogenic variant, nor has it been reported as a benign variant to our knowledge. It was not observed in approximately 6,500 individuals of European and African American ancestry in an external variant database, indicating it is not a common benign variant in these population. The R175C variant is a non-conservative amino acid substitution, which is likely to impact secondary protein structure as these residues differ in polarity, charge, size and/or other properties. This substitution occurs at a position that is conserved across species and in silico analysis predicts this variant is probably damaging to the protein structure/function. However, missense variants in nearby residues have not been reported in Human Gene Mutation Database in association with neuronal ceroid lipofuscinosis (Stenson et al., 2014). Therefore, based on the currently available information, it is unclear whether this variant is a pathogenic variant or a rare benign variant.

Eurofins Ntd Llc (ga)
Classification: Uncertain significance. Last evaluated: 2014-12-08. Review status: criteria provided, single submitter. Criteria: EGL Classification Definitions 2015. Collection method: clinical testing. Allele origin: germline. Observed: 3 variant alleles, 2 heterozygotes, 1 homozygote.

Natera, Inc.
Classification: Uncertain significance for Neuronal ceroid lipofuscinosis 2. Last evaluated: 2020-09-16. Review status: no assertion criteria provided. Collection method: clinical testing. Allele origin: germline. Not counted in ClinVar's aggregate classification.

Literature cited by the submitters: PubMed 29056246 (cited by Labcorp Genetics (formerly Invitae), Labcorp).

NM_000391.4(TPP1):c.523C>T (p.Arg175Cys)

Gene: TPP1 (tripeptidyl peptidase 1; minus strand). Cytogenetic location: 11p15.4.
Variant type: single nucleotide variant.
Coding change: c.523C>T on transcript NM_000391.4 (MANE Select); coding-DNA position 523, C replaced by T.
Protein change: p.Arg175Cys; replaces arginine 175 with cysteine.
Molecular consequence: missense variant.
Genome position (GRCh38, 1-based): chr11:6,617,139, G>A on the plus strand (C>T on the coding strand, the complement: TPP1 is on the minus strand). VCF-style: chr11-6617139-G-A. GRCh37 (hg19) VCF-style: chr11-6638370-G-A.
Other names: short protein forms R175C.
Identifiers: ClinVar variation 198076 (VCV000198076.11), dbSNP rs750241218, ClinGen allele CA246566.